The following is an entry in ClinVar:

NM_001854.4(COL11A1):c.1285G>C (p.Gly429Arg)

Gene: COL11A1 (collagen type XI alpha 1 chain; minus strand). Cytogenetic location: 1p21.1.
Variant type: single nucleotide variant.
Coding change: c.1285G>C on transcript NM_001854.4 (MANE Select); coding-DNA position 1285, G replaced by C.
Protein change: p.Gly429Arg; replaces glycine 429 with arginine.
Molecular consequence: missense variant. On other transcripts: non-coding transcript variant (1).
Genome position (GRCh38, 1-based): chr1:103,021,730, C>G on the plus strand (G>C on the coding strand, the complement: COL11A1 is on the minus strand). VCF-style: chr1-103021730-C-G. GRCh37 (hg19) VCF-style: chr1-103487286-C-G.
Other names: c.1168G>C, p.Gly390Arg (NM_001190709.2); c.1321G>C, p.Gly441Arg (NM_080629.3); c.937G>C, p.Gly313Arg (NM_080630.4); short protein forms G313R, G390R, G441R, G429R.
Identifiers: ClinVar variation 1507613 (VCV001507613.8), dbSNP rs2101938209, ClinGen allele CA341181514.

ClinVar aggregate classification (germline): Uncertain significance (1 of 4 stars; one submission).

Submission:

Labcorp Genetics (formerly Invitae), Labcorp
Classification: Uncertain significance. Last evaluated: 2022-08-28. Review status: criteria provided, single submitter. Criteria: Invitae Variant Classification Sherloc (09022015). Collection method: clinical testing. Allele origin: germline.
Comment: This variant is not present in population databases (gnomAD no frequency). This sequence change replaces glycine, which is neutral and non-polar, with arginine, which is basic and polar, at codon 429 of the COL11A1 protein (p.Gly429Arg). This variant has not been reported in the literature in individuals affected with COL11A1-related conditions. In summary, the available evidence is currently insufficient to determine the role of this variant in disease. Therefore, it has been classified as a Variant of Uncertain Significance. Advanced modeling of protein sequence and biophysical properties (such as structural, functional, and spatial information, amino acid conservation, physicochemical variation, residue mobility, and thermodynamic stability) performed at Invitae indicates that this missense variant is expected to disrupt COL11A1 protein function. ClinVar contains an entry for this variant (Variation ID: 1507613).